The following is an entry in ClinVar:

NM_002047.4(GARS1):c.1411T>A (p.Cys471Ser)

Gene: GARS1 (glycyl-tRNA synthetase 1; plus strand). Cytogenetic location: 7p14.3.
Variant type: single nucleotide variant.
Coding change: c.1411T>A on transcript NM_002047.4 (MANE Select); coding-DNA position 1411, T replaced by A.
Protein change: p.Cys471Ser; replaces cysteine 471 with serine.
Molecular consequence: missense variant.
Genome position (GRCh38, 1-based): chr7:30,621,444, T>A. VCF-style: chr7-30621444-T-A. GRCh37 (hg19) VCF-style: chr7-30661060-T-A.
Other names: c.1249T>A, p.Cys417Ser (NM_001316772.1); short protein forms C417S, C471S.
Identifiers: ClinVar variation 2097305 (VCV002097305.4), dbSNP rs2534320004, ClinGen allele CA367128175.

ClinVar aggregate classification (germline): Uncertain significance (1 of 4 stars; one submission).

Conditions:
Charcot-Marie-Tooth disease type 2. Also called: Charcot-Marie-Tooth type 2. Identifiers: Orphanet 64746, MedGen C0270914, MONDO:0018993.

Submission:

Labcorp Genetics (formerly Invitae), Labcorp
Classification: Uncertain significance for Charcot-Marie-Tooth disease type 2. Last evaluated: 2022-02-12. Review status: criteria provided, single submitter. Criteria: Invitae Variant Classification Sherloc (09022015). Collection method: clinical testing. Allele origin: germline.
Comment: In summary, the available evidence is currently insufficient to determine the role of this variant in disease. Therefore, it has been classified as a Variant of Uncertain Significance. This variant is not present in population databases (gnomAD no frequency). This variant has not been reported in the literature in individuals affected with GARS-related conditions. Algorithms developed to predict the effect of missense changes on protein structure and function (SIFT, PolyPhen-2, Align-GVGD) all suggest that this variant is likely to be tolerated. Algorithms developed to predict the effect of sequence changes on RNA splicing suggest that this variant may create or strengthen a splice site. This sequence change replaces cysteine, which is neutral and slightly polar, with serine, which is neutral and polar, at codon 471 of the GARS protein (p.Cys471Ser).